The following is an entry in ClinVar:

ClinVar aggregate classification (germline): Likely benign. Review status: criteria provided, multiple submitters, no conflicts (2 of 4 stars). 5 submissions from 5 submitters: Likely benign (3). 2 of the submissions do not count toward it. Last evaluated 2026-01-31.

Conditions:
COL4A3-related disorder. Also called: COL4A3-related condition; COL4A3-Related Disorders.
Alport syndrome. Also called: Hemorrhagic familial nephritis; Hemorrhagic hereditary nephritis; Congenital hereditary hematuria. Identifiers: Orphanet 63, MedGen C1567741, MONDO:0018965.
Autosomal dominant Alport syndrome (ATS3A). Also called: ALPORT SYNDROME 3A, AUTOSOMAL DOMINANT; Alport syndrome dominant type; Renal failure and sensorineural hearing loss. Identifiers: Orphanet 63, Orphanet 88918, MedGen C5882663, MONDO:0007086, OMIM 104200.
Autosomal recessive Alport syndrome (ATS2). Also called: COL4A4 Alport Syndrome and Thin Basement Membrane Nephropathy; ALPORT SYNDROME 2, AUTOSOMAL RECESSIVE; COL4A3-Related Nephropathy; Alport syndrome type 2. Identifiers: Orphanet 63, Orphanet 88919, MedGen C4746745, MONDO:0008762, OMIM 203780.
Benign familial hematuria. Also called: thin basement membrane disease. Identifiers: MedGen C0241908, MONDO:0957317.

Allele frequency attached by ClinVar (database versions not stated): TOPMed 0.00004; ESP Exome Variant Server 0.00008; gnomAD 0.00004 and 0.00003; gnomAD exomes 0.00005 and 0.00010; ExAC 0.00010.
gnomAD v4.1: 79 of 1,613,524 alleles (0.0049%); highest among the groups gnomAD compares: Admixed American, 0.038%; no homozygotes.

Submissions (5):

Labcorp Genetics (formerly Invitae), Labcorp
Classification: Likely benign. Last evaluated: 2026-01-31. Review status: criteria provided, single submitter. Criteria: Invitae Variant Classification Sherloc (09022015). Collection method: clinical testing. Allele origin: germline.

Blueprint Genetics
Classification: Likely benign. Last evaluated: 2024-04-10. Review status: criteria provided, single submitter. Criteria: ACMG Guidelines, 2015. Collection method: clinical testing. Allele origin: germline.

Fulgent Genetics
Classification: Likely benign for Autosomal dominant Alport syndrome; Hematuria, benign familial, 1; Autosomal recessive Alport syndrome. Last evaluated: 2022-04-11. Review status: criteria provided, single submitter. Criteria: ACMG Guidelines, 2015. Collection method: clinical testing. Allele origin: unknown.

Natera, Inc.
Classification: Likely benign for Alport syndrome. Last evaluated: 2020-01-19. Review status: no assertion criteria provided. Collection method: clinical testing. Allele origin: germline. Not counted in ClinVar's aggregate classification.

PreventionGenetics, part of Exact Sciences
Classification: Likely benign for COL4A3-related condition. Last evaluated: 2019-07-15. Review status: no assertion criteria provided. Collection method: clinical testing. Allele origin: germline. Not counted in ClinVar's aggregate classification.
Comment: This variant is classified as likely benign based on ACMG/AMP sequence variant interpretation guidelines (Richards et al. 2015 PMID: 25741868, with internal and published modifications).

NM_000091.5(COL4A3):c.1917C>T (p.Pro639=)

Genes: COL4A3 (collagen type IV alpha 3 chain; plus strand), MFF-DT (MFF divergent transcript; minus strand). Cytogenetic location: 2q36.3.
Variant type: single nucleotide variant.
Coding change: c.1917C>T on transcript NM_000091.5 (MANE Select); coding-DNA position 1917, C replaced by T.
Protein change: p.Pro639=; no amino-acid change (proline 639 retained).
Molecular consequence: synonymous variant.
Genome position (GRCh38, 1-based): chr2:227,273,107, C>T. VCF-style: chr2-227273107-C-T. GRCh37 (hg19) VCF-style: chr2-228137823-C-T.
Identifiers: ClinVar variation 765175 (VCV000765175.16), dbSNP rs369320502, ClinGen allele CA2146785.